The following is an entry in ClinVar:

NM_001365480.1(CCDC88A):c.1506G>T (p.Arg502Ser)

Gene: CCDC88A (coiled-coil domain containing 88A; minus strand). Cytogenetic location: 2p16.1.
Variant type: single nucleotide variant.
Coding change: c.1506G>T on transcript NM_001365480.1 (MANE Select); coding-DNA position 1506, G replaced by T.
Protein change: p.Arg502Ser; replaces arginine 502 with serine.
Molecular consequence: missense variant.
Genome position (GRCh38, 1-based): chr2:55,339,476, C>A on the plus strand (G>T on the coding strand, the complement: CCDC88A is on the minus strand). VCF-style: chr2-55339476-C-A. GRCh37 (hg19) VCF-style: chr2-55566612-C-A.
Other names: c.1506G>T, p.Arg502Ser (NM_001135597.2, NM_001254943.2, NM_018084.5); short protein forms R502S.
Identifiers: ClinVar variation 1490364 (VCV001490364.5), dbSNP rs563014353, ClinGen allele CA1666136.

ClinVar aggregate classification (germline): Uncertain significance (1 of 4 stars; one submission).

Allele frequency attached by ClinVar (database versions not stated): 1000 Genomes Project 0.00020; 1000 Genomes Project 30x 0.00031.
gnomAD v4.1: 29 of 1,560,216 alleles (0.0019%); highest among the groups gnomAD compares: South Asian, 0.024%; no homozygotes.

Submission:

Labcorp Genetics (formerly Invitae), Labcorp
Classification: Uncertain significance. Last evaluated: 2022-02-10. Review status: criteria provided, single submitter. Criteria: Invitae Variant Classification Sherloc (09022015). Collection method: clinical testing. Allele origin: germline.
Comment: This sequence change replaces arginine, which is basic and polar, with serine, which is neutral and polar, at codon 502 of the CCDC88A protein (p.Arg502Ser). This variant is present in population databases (rs563014353, gnomAD 0.02%). This variant has not been reported in the literature in individuals affected with CCDC88A-related conditions. Algorithms developed to predict the effect of missense changes on protein structure and function are either unavailable or do not agree on the potential impact of this missense change (SIFT: "Deleterious"; PolyPhen-2: "Benign"; Align-GVGD: "Class C0"). In summary, the available evidence is currently insufficient to determine the role of this variant in disease. Therefore, it has been classified as a Variant of Uncertain Significance.